The following is an entry in ClinVar:

ClinVar aggregate classification (germline): Uncertain significance (1 of 4 stars; one submission).

Conditions:
2-aminoadipic 2-oxoadipic aciduria (AAKAD). Also called: Aminoadipic aciduria; ALPHA-AMINOADIPIC AND ALPHA-KETOADIPIC ACIDURIA. Identifiers: Orphanet 79154, MedGen C1859817, MONDO:0008774, OMIM 204750.

Submission:

Labcorp Genetics (formerly Invitae), Labcorp
Classification: Uncertain significance for 2-aminoadipic 2-oxoadipic aciduria. Last evaluated: 2022-03-28. Review status: criteria provided, single submitter. Criteria: Invitae Variant Classification Sherloc (09022015). Collection method: clinical testing. Allele origin: germline.
Comment: This sequence change creates a premature translational stop signal (p.Met869Hisfs*12) in the DHTKD1 gene. While this is not anticipated to result in nonsense mediated decay, it is expected to disrupt the last 51 amino acid(s) of the DHTKD1 protein. This variant is not present in population databases (gnomAD no frequency). This variant has not been reported in the literature in individuals affected with DHTKD1-related conditions. Experimental studies and prediction algorithms are not available or were not evaluated, and the functional significance of this variant is currently unknown. In summary, the available evidence is currently insufficient to determine the role of this variant in disease. Therefore, it has been classified as a Variant of Uncertain Significance.

NM_018706.7(DHTKD1):c.2604dup (p.Met869fs)

Gene: DHTKD1 (dehydrogenase E1 and transketolase domain containing 1; plus strand). Cytogenetic location: 10p14.
Variant type: Duplication.
Coding change: c.2604dup on transcript NM_018706.7 (MANE Select); coding-DNA position 2604, one base duplicated (C; older notation c.2604dupC).
Protein change: p.Met869fs; shifts the reading frame from methionine 869.
Molecular consequence: frameshift variant.
Genome position (GRCh38, 1-based): chr10:12,120,213, C duplicated. VCF-style (leftmost placement, unchanged base first): chr10-12120212-A-AC. GRCh37 (hg19) VCF-style: chr10-12162211-A-AC.
Other names: short protein forms M869fs.
Identifiers: ClinVar variation 2118879 (VCV002118879.4), dbSNP rs2491527559, ClinGen allele CA2580081324.